The following is an entry in ClinVar:

ClinVar aggregate classification (germline): Uncertain significance (1 of 4 stars; one submission).

Conditions:
Inborn genetic diseases. Identifiers: MedGen C0950123, MeSH D030342.

Submission:

Ambry Genetics
Classification: Uncertain significance for Inborn genetic diseases. Last evaluated: 2021-12-20. Review status: criteria provided, single submitter. Criteria: Ambry Variant Classification Scheme 2023. Collection method: clinical testing. Allele origin: germline.
Comment: The p.G735D variant (also known as c.2204G>A), located in coding exon 23 of the ERCC2 gene, results from a G to A substitution at nucleotide position 2204. The glycine at codon 735 is replaced by aspartic acid, an amino acid with similar properties. This amino acid position is conserved. In addition, this alteration is predicted to be deleterious by in silico analysis. Since supporting evidence is limited at this time, the clinical significance of this alteration remains unclear.

NM_000400.4(ERCC2):c.2204G>A (p.Gly735Asp)

Gene: ERCC2 (ERCC excision repair 2, TFIIH core complex helicase subunit; minus strand). Cytogenetic location: 19q13.32.
Variant type: single nucleotide variant.
Coding change: c.2204G>A on transcript NM_000400.4 (MANE Select); coding-DNA position 2204, G replaced by A.
Protein change: p.Gly735Asp; replaces glycine 735 with aspartic acid.
Molecular consequence: missense variant.
Genome position (GRCh38, 1-based): chr19:45,351,708, C>T on the plus strand (G>A on the coding strand, the complement: ERCC2 is on the minus strand). VCF-style: chr19-45351708-C-T. GRCh37 (hg19) VCF-style: chr19-45854966-C-T.
Other names: short protein forms G735D.
Identifiers: ClinVar variation 1787674 (VCV001787674.2), dbSNP rs2513994750, ClinGen allele CA406360571.